The following is an entry in ClinVar:

NM_014391.3(ANKRD1):c.207+5G>C

Gene: ANKRD1 (ankyrin repeat domain 1; minus strand). Cytogenetic location: 10q23.31.
Variant type: single nucleotide variant.
Coding change: c.207+5G>C on transcript NM_014391.3 (MANE Select); 5 bases into the intron after coding-DNA position 207, G replaced by C.
Molecular consequence: intron variant.
Genome position (GRCh38, 1-based): chr10:90,920,164, C>G on the plus strand (G>C on the coding strand, the complement: ANKRD1 is on the minus strand). VCF-style: chr10-90920164-C-G. GRCh37 (hg19) VCF-style: chr10-92679921-C-G.
Identifiers: ClinVar variation 1040261 (VCV001040261.6), dbSNP rs1847419665, ClinGen allele CA1927490783.

ClinVar aggregate classification (germline): Uncertain significance (1 of 4 stars; one submission).

Conditions:
ANKRD1-related dilated cardiomyopathy. Identifiers: MedGen CN119551.

Allele frequency attached by ClinVar (database versions not stated): gnomAD exomes below 0.00001.

Submission:

Labcorp Genetics (formerly Invitae), Labcorp
Classification: Uncertain significance for ANKRD1-related dilated cardiomyopathy. Last evaluated: 2024-05-28. Review status: criteria provided, single submitter. Criteria: Invitae Variant Classification Sherloc (09022015). Collection method: clinical testing. Allele origin: germline.
Comment: This sequence change falls in intron 2 of the ANKRD1 gene. It does not directly change the encoded amino acid sequence of the ANKRD1 protein. It affects a nucleotide within the consensus splice site. This variant is not present in population databases (gnomAD no frequency). This variant has not been reported in the literature in individuals affected with ANKRD1-related conditions. ClinVar contains an entry for this variant (Variation ID: 1040261). Variants that disrupt the consensus splice site are a relatively common cause of aberrant splicing (PMID: 17576681, 9536098). Algorithms developed to predict the effect of sequence changes on RNA splicing suggest that this variant is not likely to affect RNA splicing. In summary, the available evidence is currently insufficient to determine the role of this variant in disease. Therefore, it has been classified as a Variant of Uncertain Significance.

Literature cited by the submitters: PubMed 17576681; PubMed 9536098.